The following is an entry in ClinVar:

ClinVar aggregate classification (germline): Likely pathogenic (1 of 4 stars; one submission).

Conditions:
Nemaline myopathy 2 (NEM2). Also called: Nemaline myopathy 2, autosomal recessive. Identifiers: MedGen C1850569, MONDO:0009725, OMIM 256030.

Submission:

Natera, Inc.
Classification: Likely pathogenic for Nemaline myopathy type 2. Last evaluated: 2025-04-18. Review status: criteria provided, single submitter. Criteria: Natera Variant Classification Schema (03/2026). Collection method: clinical testing. Allele origin: germline.
Comment: The c.5816del variant in NEB is a frameshift variant predicted to shift the reading frame beginning at codon 1939 and leads to a stop codon 29 codons downstream. This variant is expected to result in nonsense mediated decay, truncation, or a dysfunctional protein product. This variant is rare in the general population with a frequency below the threshold expected for the associated phenotype(s). Given the available evidence, this variant is classified as Likely Pathogenic.

NM_001164508.2(NEB):c.5816del (p.Pro1939fs)

Gene: NEB (nebulin; minus strand). Cytogenetic location: 2q23.3.
Variant type: Deletion.
Coding change: c.5816del on transcript NM_001164508.2 (MANE Select); coding-DNA position 5816, one base deleted (C; older notation c.5816delC).
Protein change: p.Pro1939fs; shifts the reading frame from proline 1939.
Molecular consequence: frameshift variant.
Genome position (GRCh38, 1-based): chr2:151,662,289, G deleted on the plus strand (C on the coding strand, the reverse complement: NEB is on the minus strand); the first of 3 consecutive G bases (chr2:151,662,289-151,662,291); deleting any one gives the same sequence. VCF-style (leftmost placement, unchanged base first): chr2-151662288-AG-A. GRCh37 (hg19) VCF-style: chr2-152518802-AG-A.
Other names: c.5816del, p.Pro1939fs (NM_001164507.2, NM_001271208.2, NM_004543.5); c.5814delC, p.Pro1939Leufs (NM_001271208.1); short protein forms P1939fs.
Identifiers: ClinVar variation 4058508 (VCV004058508.2).